The following is an entry in ClinVar:

ClinVar aggregate classification (germline): Likely pathogenic (1 of 4 stars; one submission).

Conditions:
Dilated cardiomyopathy 1G (CMD1G). Identifiers: Orphanet 154, MedGen C1858763, MONDO:0011400, OMIM 604145.

Submission:

Illumina Laboratory Services, Illumina
Classification: Likely pathogenic for Dilated cardiomyopathy 1G. Last evaluated: 2023-03-07. Review status: criteria provided, single submitter. Criteria: ICSLVariantClassificationCriteria RUGD 01 April 2020. Collection method: clinical testing. Allele origin: unknown.
Comment: The TTN c.46305-2A>G variant results in a substitution at the consensus splice acceptor site, which is predicted to result in splicing defects that may lead to a truncated protein. To our knowledge, this variant has not been reported in the peer-reviewed literature. A different variant impacting the same acceptor site, c.46305-1G>A, has been reported in association with autosomal recessive congenital titinopathy (PMID: 29691892). This variant is in the splice acceptor site at the boundary of intron 248 and exon 249, which is in the I band and highly expressed in cardiac tissue (PMID: 25589632). In a meta-analysis of TTN truncating variants in DCM patients and controls, variants in this region were associated with an increased risk of developing DCM and related cardiovascular phenotypes (OR 19.0 - 32.0) (PMID: 27869827). The c.46305-2A>G variant is not found in version 2.1.1 or version 3.1.2 of the Genome Aggregation Database. Based on the available evidence, the c.46305-2A>G variant is classified as likely pathogenic for dilated cardiomyopathy.

NM_001267550.2(TTN):c.46305-2A>G

Genes: TTN (titin; minus strand), TTN-AS1 (TTN antisense RNA 1; plus strand). Cytogenetic location: 2q31.2.
Variant type: single nucleotide variant.
Coding change: c.46305-2A>G on transcript NM_001267550.2 (MANE Select); the canonical splice acceptor site of the intron before coding-DNA position 46305, A replaced by G.
Molecular consequence: splice acceptor variant. On other transcripts: non-coding transcript variant (1).
Genome position (GRCh38, 1-based): chr2:178,620,114, T>C on the plus strand (A>G on the coding strand, the complement: TTN is on the minus strand). VCF-style: chr2-178620114-T-C. GRCh37 (hg19) VCF-style: chr2-179484841-T-C.
Other names: c.19110-2A>G (NM_003319.4); c.19686-2A>G (NM_133437.4); c.19485-2A>G (NM_133432.3); c.38601-2A>G (NM_133378.4); c.41382-2A>G (NM_001256850.1).
Identifiers: ClinVar variation 3069160 (VCV003069160.1), dbSNP rs2470986573, ClinGen allele CA349627686.